The following is an entry in ClinVar:

ClinVar aggregate classification (germline): Conflicting classifications of pathogenicity. Review status: criteria provided, conflicting classifications (1 of 4 stars). 3 submissions from 3 submitters: Uncertain significance (1); Likely benign (2). Last evaluated 2026-04-14.

Allele frequency attached by ClinVar (database versions not stated): gnomAD exomes 0.00004 and 0.00011; ExAC 0.00017; ESP Exome Variant Server 0.00038; gnomAD 0.00039 and 0.00042; 1000 Genomes Project 0.00040; 1000 Genomes Project 30x 0.00047; TOPMed 0.00056.
gnomAD v4.1: 117 of 1,613,958 alleles (0.0072%); highest among the groups gnomAD compares: African/African-American, 0.15%; no homozygotes.

Submissions (3):

Women's Health and Genetics/Laboratory Corporation of America, LabCorp
Classification: Uncertain significance. Last evaluated: 2026-04-14. Review status: criteria provided, single submitter. Criteria: LabCorp Variant Classification Summary - May 2015. Collection method: clinical testing. Allele origin: germline.
Comment: Variant summary: VWF c.1107C>G (p.Thr369Thr) alters a non-conserved nucleotide located close to a canonical splice site and therefore could affect mRNA splicing, leading to a significantly altered protein sequence. Consensus agreement among computation tools predict no significant impact on normal splicing. However, these predictions have yet to be confirmed by functional studies. The variant allele was found at a frequency of 0.00011 in 251164 control chromosomes. This frequency is not significantly higher than estimated for disease-causing variants in VWF, allowing no conclusion about variant significance. To our knowledge, no occurrence of c.1107C>G in individuals affected with VWF-related conditions and no experimental evidence demonstrating its impact on protein function have been reported. ClinVar contains an entry for this variant (Variation ID: 1337033). Based on the evidence outlined above, the variant was classified as uncertain significance.

Quest Diagnostics Nichols Institute San Juan Capistrano
Classification: Likely benign. Last evaluated: 2023-07-16. Review status: criteria provided, single submitter. Criteria: Quest Diagnostics criteria. Collection method: clinical testing. Allele origin: unknown.

Genetic Services Laboratory, University of Chicago
Classification: Likely benign. Last evaluated: 2019-02-19. Review status: criteria provided, single submitter. Criteria: ACMG Guidelines, 2015. Collection method: clinical testing. Allele origin: germline. Affected: no.

Literature cited by the submitters: PubMed 23690449 (cited by Quest Diagnostics Nichols Institute San Juan Capistrano).

NM_000552.5(VWF):c.1107C>G (p.Thr369=)

Gene: VWF (von Willebrand factor; minus strand). Cytogenetic location: 12p13.31.
Variant type: single nucleotide variant.
Coding change: c.1107C>G on transcript NM_000552.5 (MANE Select); coding-DNA position 1107, C replaced by G.
Protein change: p.Thr369=; no amino-acid change (threonine 369 retained).
Molecular consequence: synonymous variant.
Genome position (GRCh38, 1-based): chr12:6,072,333, G>C on the plus strand (C>G on the coding strand, the complement: VWF is on the minus strand). VCF-style: chr12-6072333-G-C. GRCh37 (hg19) VCF-style: chr12-6181499-G-C.
Other names: c.1107C>G (NM_000552.4).
Identifiers: ClinVar variation 1337033 (VCV001337033.7), dbSNP rs149640698, ClinGen allele CA6403560.